The following is an entry in ClinVar:

ClinVar aggregate classification (germline): Pathogenic (1 of 4 stars; one submission).

Conditions:
Ellis-van Creveld syndrome (EVC). Also called: EVC-Related Ellis-van Creveld Syndrome; EVC2-Related Ellis-van Creveld Syndrome; MESOECTODERMAL DYSPLASIA; Chondroectodermal dysplasia. Identifiers: Orphanet 289, MedGen C0013903, MONDO:0009162, OMIM 225500.
Curry-Hall syndrome (WAD). Also called: WEYERS ACRODENTAL DYSOSTOSIS. Identifiers: Orphanet 952, MedGen C0457013, MONDO:0008673, OMIM 193530.

Submission:

Labcorp Genetics (formerly Invitae), Labcorp
Classification: Pathogenic for Curry-Hall syndrome; Ellis-van Creveld syndrome. Last evaluated: 2025-11-29. Review status: criteria provided, single submitter. Criteria: Invitae Variant Classification Sherloc (09022015). Collection method: clinical testing. Allele origin: germline.
Comment: This sequence change creates a premature translational stop signal (p.Val968Leufs*11) in the EVC2 gene. It is expected to result in an absent or disrupted protein product. Loss-of-function variants in EVC2 are known to be pathogenic (PMID: 17024374, 19810119, 19876929). This variant is not present in population databases (gnomAD no frequency). This variant has not been reported in the literature in individuals affected with EVC2-related conditions. Algorithms developed to predict the effect of sequence changes on RNA splicing suggest that this variant may disrupt the consensus splice site. For these reasons, this variant has been classified as Pathogenic.

Literature cited by the submitters: PubMed 17024374; PubMed 19810119; PubMed 19876929.

NM_147127.5(EVC2):c.2902del (p.Val968fs)

Gene: EVC2 (EvC ciliary complex subunit 2; minus strand). Cytogenetic location: 4p16.2.
Variant type: Deletion.
Coding change: c.2902del on transcript NM_147127.5 (MANE Select); coding-DNA position 2902, one base deleted (G; older notation c.2902delG).
Protein change: p.Val968fs; shifts the reading frame from valine 968.
Molecular consequence: frameshift variant.
Genome position (GRCh38, 1-based): chr4:5,584,778, C deleted on the plus strand (G on the coding strand, the reverse complement: EVC2 is on the minus strand). VCF-style (leftmost placement, unchanged base first): chr4-5584777-AC-A. GRCh37 (hg19) VCF-style: chr4-5586504-AC-A.
Other names: c.2662del, p.Val888fs (NM_001166136.2); short protein forms V968fs, V888fs.
Identifiers: ClinVar variation 4785647 (VCV004785647.1).